The following is an entry in ClinVar:

NM_004946.3(DOCK2):c.5345G>A (p.Arg1782His)

Gene: DOCK2 (dedicator of cytokinesis 2; plus strand). Cytogenetic location: 5q35.1.
Variant type: single nucleotide variant.
Coding change: c.5345G>A on transcript NM_004946.3 (MANE Select); coding-DNA position 5345, G replaced by A.
Protein change: p.Arg1782His; replaces arginine 1782 with histidine.
Molecular consequence: missense variant. On other transcripts: non-coding transcript variant (1).
Genome position (GRCh38, 1-based): chr5:170,081,899, G>A. VCF-style: chr5-170081899-G-A. GRCh37 (hg19) VCF-style: chr5-169508903-G-A.
Other names: c.5345G>A (NM_004946.2); short protein forms R1782H.
Identifiers: ClinVar variation 3624034 (VCV003624034.2).

ClinVar aggregate classification (germline): Uncertain significance. Review status: criteria provided, multiple submitters, no conflicts (2 of 4 stars). 2 submissions from 2 submitters: Uncertain significance (2). Last evaluated 2025-04-30.

Conditions:
Inborn genetic diseases. Identifiers: MedGen C0950123, MeSH D030342.
DOCK2 deficiency. Also called: Immunodeficiency 40. Identifiers: Orphanet 447737, MedGen C4225328, MONDO:0014637, OMIM 616433.

gnomAD v4.1: 28 of 1,613,806 alleles (0.0017%); highest among the groups gnomAD compares: Admixed American, 0.0067%; no homozygotes.

Submissions (2):

Ambry Genetics
Classification: Uncertain significance for Inborn genetic diseases. Last evaluated: 2025-04-30. Review status: criteria provided, single submitter. Criteria: Ambry Variant Classification Scheme 2023. Collection method: clinical testing. Allele origin: germline.

Labcorp Genetics (formerly Invitae), Labcorp
Classification: Uncertain significance for DOCK2 deficiency. Last evaluated: 2024-05-27. Review status: criteria provided, single submitter. Criteria: Invitae Variant Classification Sherloc (09022015). Collection method: clinical testing. Allele origin: germline.
Comment: This sequence change replaces arginine, which is basic and polar, with histidine, which is basic and polar, at codon 1782 of the DOCK2 protein (p.Arg1782His). This variant is present in population databases (rs376280359, gnomAD 0.009%). This variant has not been reported in the literature in individuals affected with DOCK2-related conditions. An algorithm developed to predict the effect of missense changes on protein structure and function (PolyPhen-2) suggests that this variant is likely to be disruptive. In summary, the available evidence is currently insufficient to determine the role of this variant in disease. Therefore, it has been classified as a Variant of Uncertain Significance.